The following is an entry in ClinVar:

ClinVar aggregate classification (germline): Pathogenic (1 of 4 stars; one submission).

Submission:

GeneDx
Classification: Pathogenic. Last evaluated: 2026-04-06. Review status: criteria provided, single submitter. Criteria: GeneDx Variant Classification Process June 2021. Collection method: clinical testing. Allele origin: germline.
Comment: Nonsense variant predicted to result in protein truncation or nonsense mediated decay in a gene for which loss of function is a known mechanism of disease; Not observed at significant frequency in large population cohorts (gnomAD); Has not been previously published as pathogenic or benign to our knowledge

NM_001776.6(ENTPD1):c.682C>T (p.Gln228Ter)

Genes: ENTPD1 (ectonucleoside triphosphate diphosphohydrolase 1; plus strand), ENTPD1-AS1 (ENTPD1 antisense RNA 1; minus strand). Cytogenetic location: 10q24.1.
Variant type: single nucleotide variant.
Coding change: c.682C>T on transcript NM_001776.6 (MANE Select); coding-DNA position 682, C replaced by T.
Protein change: p.Gln228Ter; replaces glutamine 228 with a stop codon.
Molecular consequence: nonsense. On other transcripts: non-coding transcript variant (1).
Genome position (GRCh38, 1-based): chr10:95,845,465, C>T. VCF-style: chr10-95845465-C-T. GRCh37 (hg19) VCF-style: chr10-97605222-C-T.
Other names: c.268C>T, p.Gln90Ter (NM_001440941.1, NM_001164182.2, NM_001164183.2); c.358C>T, p.Gln120Ter (NM_001440942.1, NM_001164181.1, NM_001312654.1 and 3 more transcripts); c.703C>T, p.Gln235Ter (NM_001098175.2, NM_001440933.1, NM_001440934.1); c.718C>T, p.Gln240Ter (NM_001164178.1, NM_001320916.1, NM_001440935.1 and 1 more transcripts); c.682C>T, p.Gln228Ter (NM_001164179.2, NM_001440937.1); c.760C>T, p.Gln254Ter (NM_001440932.1); short protein forms Q120*, Q228*, Q235*, Q240*, Q254*, Q90*.
Identifiers: ClinVar variation 5037746 (VCV005037746.1).